The following is an entry in ClinVar:

NM_031885.5(BBS2):c.346-2A>C

Gene: BBS2 (Bardet-Biedl syndrome 2; minus strand). Cytogenetic location: 16q13.
Variant type: single nucleotide variant.
Coding change: c.346-2A>C on transcript NM_031885.5 (MANE Select); the canonical splice acceptor site of the intron before coding-DNA position 346, A replaced by C.
Molecular consequence: splice acceptor variant.
Genome position (GRCh38, 1-based): chr16:56,511,286, T>G on the plus strand (A>C on the coding strand, the complement: BBS2 is on the minus strand). VCF-style: chr16-56511286-T-G. GRCh37 (hg19) VCF-style: chr16-56545198-T-G.
Other names: c.346-2A>C (NM_001377456.1).
Identifiers: ClinVar variation 4816288 (VCV004816288.1).

ClinVar aggregate classification (germline): Likely pathogenic (1 of 4 stars; one submission).

Conditions:
Bardet-Biedl syndrome 2 (BBS2). Identifiers: Orphanet 110, MedGen C2936863, MONDO:0014432, OMIM 615981.

Submission:

Natera, Inc.
Classification: Likely pathogenic for Bardet-Biedl syndrome type 2. Last evaluated: 2025-06-27. Review status: criteria provided, single submitter. Criteria: Natera Variant Classification Schema (03/2026). Collection method: clinical testing. Allele origin: germline.
Comment: The c.346-2A>C variant in BBS2 is a canonical splice acceptor site variant predicted to affect pre-mRNA splicing, which may result in an abnormal transcript and altered protein product. This variant is expected to result in nonsense mediated decay, truncation, or a dysfunctional protein product. This variant is rare in the general population with a frequency below the threshold expected for the associated phenotype(s). Given the available evidence, this variant is classified as Likely Pathogenic.